The following is an entry in ClinVar:

NM_004820.5(CYP7B1):c.167T>C (p.Leu56Pro)

Gene: CYP7B1 (cytochrome P450 family 7 subfamily B member 1; minus strand). Cytogenetic location: 8q12.3.
Variant type: single nucleotide variant.
Coding change: c.167T>C on transcript NM_004820.5 (MANE Select); coding-DNA position 167, T replaced by C.
Protein change: p.Leu56Pro; replaces leucine 56 with proline.
Molecular consequence: missense variant.
Genome position (GRCh38, 1-based): chr8:64,624,495, A>G on the plus strand (T>C on the coding strand, the complement: CYP7B1 is on the minus strand). VCF-style: chr8-64624495-A-G. GRCh37 (hg19) VCF-style: chr8-65537052-A-G.
Other names: c.167T>C, p.Leu56Pro (NM_001324112.2); short protein forms L56P.
Identifiers: ClinVar variation 1516569 (VCV001516569.8), dbSNP rs1412631149, ClinGen allele CA371338801.

ClinVar aggregate classification (germline): Uncertain significance (1 of 4 stars; one submission).

Conditions:
Spastic paraplegia. Identifiers: MedGen C0037772, HP:0001258.

Submission:

Labcorp Genetics (formerly Invitae), Labcorp
Classification: Uncertain significance for Spastic paraplegia. Last evaluated: 2021-06-30. Review status: criteria provided, single submitter. Criteria: Invitae Variant Classification Sherloc (09022015). Collection method: clinical testing. Allele origin: germline.
Comment: In summary, the available evidence is currently insufficient to determine the role of this variant in disease. Therefore, it has been classified as a Variant of Uncertain Significance. Algorithms developed to predict the effect of missense changes on protein structure and function are either unavailable or do not agree on the potential impact of this missense change (SIFT: "Deleterious"; PolyPhen-2: "Probably Damaging"; Align-GVGD: "Class C0"). This variant has been observed in individual(s) with clinical features of hereditary spastic paraplegia (Invitae). This variant is not present in population databases (ExAC no frequency). This sequence change replaces leucine with proline at codon 56 of the CYP7B1 protein (p.Leu56Pro). The leucine residue is moderately conserved and there is a moderate physicochemical difference between leucine and proline.